The following is an entry in ClinVar:

ClinVar aggregate classification (germline): Uncertain significance. Review status: criteria provided, multiple submitters, no conflicts (2 of 4 stars). 2 submissions from 2 submitters: Uncertain significance (2). Last evaluated 2023-12-24.

Conditions:
Diamond-Blackfan anemia 3 (DBA3). Also called: RPS24-Related Diamond-Blackfan Anemia. Identifiers: Orphanet 124, MedGen C1857719, MONDO:0012529, OMIM 610629.
Diamond-Blackfan anemia. Also called: Blackfan Diamond syndrome; Aregenerative anemia chronic congenital; Red cell aplasia, pure hereditary; Congenital hypoplastic anemia; Aase syndrome. Identifiers: Orphanet 124, MedGen C1260899, MeSH D029503, MONDO:0015253, HP:0004810.

Allele frequency attached by ClinVar (database versions not stated): gnomAD exomes below 0.00001; TOPMed below 0.00001; gnomAD 0.00001.
gnomAD v4.1: 9 of 1,613,970 alleles (0.00056%); highest among the groups gnomAD compares: East Asian, 0.0022%; no homozygotes.

Submissions (2):

Fulgent Genetics
Classification: Uncertain significance for Diamond-Blackfan anemia 3. Last evaluated: 2023-12-24. Review status: criteria provided, single submitter. Criteria: ACMG Guidelines, 2015. Collection method: clinical testing. Allele origin: germline.

Labcorp Genetics (formerly Invitae), Labcorp
Classification: Uncertain significance for Diamond-Blackfan anemia. Last evaluated: 2021-04-24. Review status: criteria provided, single submitter. Criteria: Invitae Variant Classification Sherloc (09022015). Collection method: clinical testing. Allele origin: germline.
Comment: This variant is not present in population databases (ExAC no frequency). In summary, the available evidence is currently insufficient to determine the role of this variant in disease. Therefore, it has been classified as a Variant of Uncertain Significance. Algorithms developed to predict the effect of missense changes on protein structure and function are either unavailable or do not agree on the potential impact of this missense change (SIFT: "Deleterious"; PolyPhen-2: "Benign"; Align-GVGD: "Class C25"). This variant has not been reported in the literature in individuals with RPS24-related conditions. This sequence change replaces arginine with histidine at codon 8 of the RPS24 protein (p.Arg8His). The arginine residue is highly conserved and there is a small physicochemical difference between arginine and histidine.

NM_033022.4(RPS24):c.23G>A (p.Arg8His)

Gene: RPS24 (ribosomal protein S24; plus strand). Cytogenetic location: 10q22.3.
Variant type: single nucleotide variant.
Coding change: c.23G>A on transcript NM_033022.4 (MANE Select); coding-DNA position 23, G replaced by A.
Protein change: p.Arg8His; replaces arginine 8 with histidine.
Molecular consequence: missense variant.
Genome position (GRCh38, 1-based): chr10:78,035,371, G>A. VCF-style: chr10-78035371-G-A. GRCh37 (hg19) VCF-style: chr10-79795129-G-A.
Other names: c.23G>A, p.Arg8His (NM_001026.5, NM_001142282.2, NM_001142283.2 and 2 more transcripts); short protein forms R8H.
Identifiers: ClinVar variation 1414909 (VCV001414909.9), dbSNP rs1291294524, ClinGen allele CA377327622.